The following is an entry in ClinVar:

ClinVar aggregate classification (germline): Likely benign. Review status: criteria provided, multiple submitters, no conflicts (2 of 4 stars). 3 submissions from 3 submitters: Likely benign (3). Last evaluated 2026-03-11.

Conditions:
MYO7A-related disorder. Also called: MYO7A-related disorders.

Allele frequency attached by ClinVar (database versions not stated): gnomAD 0.00001; gnomAD exomes 0.00006; ExAC 0.00023.
gnomAD v4.1: 35 of 1,586,086 alleles (0.0022%); highest among the groups gnomAD compares: East Asian, 0.05%; no homozygotes.

Submissions (3):

PreventionGenetics, part of Exact Sciences
Classification: Likely benign for MYO7A-related condition. Last evaluated: 2026-03-11. Review status: criteria provided, single submitter. Criteria: ACMG Guidelines, 2015. Collection method: clinical testing. Allele origin: germline.
Comment: This variant is classified as likely benign based on ACMG/AMP sequence variant interpretation guidelines (Richards et al. 2015 PMID: 25741868, with internal and published modifications).

Labcorp Genetics (formerly Invitae), Labcorp
Classification: Likely benign. Last evaluated: 2025-08-21. Review status: criteria provided, single submitter. Criteria: Invitae Variant Classification Sherloc (09022015). Collection method: clinical testing. Allele origin: germline.

Blueprint Genetics
Classification: Likely benign. Last evaluated: 2022-05-18. Review status: criteria provided, single submitter. Criteria: ACMG Guidelines, 2015. Collection method: clinical testing. Allele origin: germline.

NM_000260.4(MYO7A):c.5064C>T (p.Pro1688=)

Gene: MYO7A (myosin VIIA; plus strand). Cytogenetic location: 11q13.5.
Variant type: single nucleotide variant.
Coding change: c.5064C>T on transcript NM_000260.4 (MANE Select); coding-DNA position 5064, C replaced by T.
Protein change: p.Pro1688=; no amino-acid change (proline 1688 retained).
Molecular consequence: synonymous variant.
Genome position (GRCh38, 1-based): chr11:77,202,320, C>T. VCF-style: chr11-77202320-C-T. GRCh37 (hg19) VCF-style: chr11-76913365-C-T.
Other names: c.5064C>T (NM_000260.3); c.4950C>T, p.Pro1650= (NM_001127180.2); c.4917C>T, p.Pro1639= (NM_001369365.1).
Identifiers: ClinVar variation 1110970 (VCV001110970.11), dbSNP rs752890141, ClinGen allele CA6198613.